The following is an entry in ClinVar:

NM_000083.3(CLCN1):c.563G>T (p.Gly188Val)

Gene: CLCN1 (chloride voltage-gated channel 1; plus strand). Cytogenetic location: 7q34.
Variant type: single nucleotide variant.
Coding change: c.563G>T on transcript NM_000083.3 (MANE Select); coding-DNA position 563, G replaced by T.
Protein change: p.Gly188Val; replaces glycine 188 with valine.
Molecular consequence: missense variant. On other transcripts: non-coding transcript variant (1).
Genome position (GRCh38, 1-based): chr7:143,321,715, G>T. VCF-style: chr7-143321715-G-T. GRCh37 (hg19) VCF-style: chr7-143018808-G-T.
Other names: short protein forms G188V.
Identifiers: ClinVar variation 462846 (VCV000462846.11), dbSNP rs1554434857, ClinGen allele CA369684215.

ClinVar aggregate classification (germline): Conflicting classifications of pathogenicity. Review status: criteria provided, conflicting classifications (1 of 4 stars). 2 submissions from 2 submitters: Likely pathogenic (1); Uncertain significance (1). Last evaluated 2025-04-22.

Conditions:
Congenital myotonia, autosomal recessive form. Also called: myotonia congenita, autosomal recessive; BECKER DISEASE; Becker Generalized Myotonia. Identifiers: Orphanet 614, MedGen C0751360, MONDO:0009715, OMIM 255700.
Congenital myotonia, autosomal dominant form (THD). Also called: Myotonia congenita autosomal dominant; THOMSEN DISEASE. Identifiers: Orphanet 614, MedGen C2936781, MONDO:0008055, OMIM 160800.

Submissions (2):

Women's Health and Genetics/Laboratory Corporation of America, LabCorp
Classification: Likely pathogenic for Congenital myotonia, autosomal recessive form. Last evaluated: 2025-04-22. Review status: criteria provided, single submitter. Criteria: LabCorp Variant Classification Summary - May 2015. Collection method: clinical testing. Allele origin: germline.
Comment: Variant summary: CLCN1 c.563G>T (p.Gly188Val) results in a non-conservative amino acid change in the encoded protein sequence. Five of five in-silico tools predict a damaging effect of the variant on protein function. Several computational tools predict a significant impact on normal splicing: One predicts the variant abolishes a canonical 3' acceptor site and two predict the variant weakens this site. At least one publication reports experimental evidence that this variant affects mRNA splicing (Ulzi_2014), resulting in skipping of exon 5. The variant was absent in 251486 control chromosomes (gnomAD). c.563G>T has been observed in individuals affected with Myotonia congenita (e.g., Ulzi_2014, Milla_2019, Avila-Smirnow_2020). The following publications have been ascertained in the context of this evaluation (PMID: 24452722, 32593548, 31544778). ClinVar contains an entry for this variant (Variation ID: 462846). Based on the evidence outlined above, the variant was classified as likely pathogenic.

Labcorp Genetics (formerly Invitae), Labcorp
Classification: Uncertain significance for Congenital myotonia, autosomal recessive form; Congenital myotonia, autosomal dominant form. Last evaluated: 2024-07-19. Review status: criteria provided, single submitter. Criteria: Invitae Variant Classification Sherloc (09022015). Collection method: clinical testing. Allele origin: germline.
Comment: This sequence change replaces glycine, which is neutral and non-polar, with valine, which is neutral and non-polar, at codon 188 of the CLCN1 protein (p.Gly188Val). This variant is not present in population databases (gnomAD no frequency). This missense change has been observed in individuals with autosomal recessive myotonia congenita (PMID: 31544778, 32593548). ClinVar contains an entry for this variant (Variation ID: 462846). An algorithm developed to predict the effect of missense changes on protein structure and function (PolyPhen-2) suggests that this variant is likely to be disruptive. Studies have shown that this missense change alters mRNA splicing and is expected to lead to the loss of protein expression (PMID: 24452722). This variant disrupts the p.Gly188 amino acid residue in CLCN1. Other variant(s) that disrupt this residue have been observed in individuals with CLCN1-related conditions (PMID: 23739125), which suggests that this may be a clinically significant amino acid residue. In summary, the available evidence is currently insufficient to determine the role of this variant in disease. Therefore, it has been classified as a Variant of Uncertain Significance.

Literature cited by the submitters: PubMed 31544778 (cited by Women's Health and Genetics/Laboratory Corporation of America, LabCorp and Labcorp Genetics (formerly Invitae), Labcorp); PubMed 32593548 (cited by Women's Health and Genetics/Laboratory Corporation of America, LabCorp and Labcorp Genetics (formerly Invitae), Labcorp); PubMed 24452722 (cited by Women's Health and Genetics/Laboratory Corporation of America, LabCorp and Labcorp Genetics (formerly Invitae), Labcorp); PubMed 23739125 (cited by Labcorp Genetics (formerly Invitae), Labcorp).